The following is an entry in ClinVar:

NM_170606.3(KMT2C):c.10439G>A (p.Gly3480Glu)

Gene: KMT2C (lysine methyltransferase 2C; minus strand). Cytogenetic location: 7q36.1.
Variant type: single nucleotide variant.
Coding change: c.10439G>A on transcript NM_170606.3 (MANE Select); coding-DNA position 10439, G replaced by A.
Protein change: p.Gly3480Glu; replaces glycine 3480 with glutamic acid.
Molecular consequence: missense variant.
Genome position (GRCh38, 1-based): chr7:152,163,138, C>T on the plus strand (G>A on the coding strand, the complement: KMT2C is on the minus strand). VCF-style: chr7-152163138-C-T. GRCh37 (hg19) VCF-style: chr7-151860223-C-T.
Other names: short protein forms G3480E.
Identifiers: ClinVar variation 5037219 (VCV005037219.1).

ClinVar aggregate classification (germline): Uncertain significance (1 of 4 stars; one submission).

gnomAD v4.1: 1 of 1,614,114 alleles (0.000062%); highest among the groups gnomAD compares: Non-Finnish European, 0.000085%; no homozygotes.

Submission:

GeneDx
Classification: Uncertain significance. Last evaluated: 2026-04-16. Review status: criteria provided, single submitter. Criteria: GeneDx Variant Classification Process June 2021. Collection method: clinical testing. Allele origin: germline.
Comment: Not observed at significant frequency in large population cohorts (gnomAD); In silico analysis supports that this missense variant has a deleterious effect on protein structure/function; Has not been previously published as pathogenic or benign to our knowledge